The following is an entry in ClinVar:

NM_000170.3(GLDC):c.2749G>C (p.Asp917His)

Gene: GLDC (glycine decarboxylase; minus strand). Cytogenetic location: 9p24.1.
Variant type: single nucleotide variant.
Coding change: c.2749G>C on transcript NM_000170.3 (MANE Select); coding-DNA position 2749, G replaced by C.
Protein change: p.Asp917His; replaces aspartic acid 917 with histidine.
Molecular consequence: missense variant.
Genome position (GRCh38, 1-based): chr9:6,536,153, C>G on the plus strand (G>C on the coding strand, the complement: GLDC is on the minus strand). VCF-style: chr9-6536153-C-G. GRCh37 (hg19) VCF-style: chr9-6536153-C-G.
Other names: short protein forms D917H.
Identifiers: ClinVar variation 1442337 (VCV001442337.12), dbSNP rs370297328, ClinGen allele CA4980081.

ClinVar aggregate classification (germline): Uncertain significance (1 of 4 stars; one submission).

Conditions:
Glycine encephalopathy. Also called: Non-ketotic hyperglycinemia; Nonketotic hyperglycinemia. Identifiers: Orphanet 407, MedGen C0751748, MONDO:0011612, HP:0008288.

Allele frequency attached by ClinVar (database versions not stated): gnomAD exomes below 0.00001; TOPMed below 0.00001; ExAC 0.00001; gnomAD 0.00001; ESP Exome Variant Server 0.00008.
gnomAD v4.1: 3 of 1,613,984 alleles (0.00019%); highest among the groups gnomAD compares: South Asian, 0.0011%; no homozygotes.

Submission:

Labcorp Genetics (formerly Invitae), Labcorp
Classification: Uncertain significance for Glycine encephalopathy. Last evaluated: 2022-10-24. Review status: criteria provided, single submitter. Criteria: Invitae Variant Classification Sherloc (09022015). Collection method: clinical testing. Allele origin: germline.
Comment: In summary, the available evidence is currently insufficient to determine the role of this variant in disease. Therefore, it has been classified as a Variant of Uncertain Significance. Advanced modeling of protein sequence and biophysical properties (such as structural, functional, and spatial information, amino acid conservation, physicochemical variation, residue mobility, and thermodynamic stability) performed at Invitae indicates that this missense variant is expected to disrupt GLDC protein function. ClinVar contains an entry for this variant (Variation ID: 1442337). This variant has not been reported in the literature in individuals affected with GLDC-related conditions. This variant is present in population databases (rs370297328, gnomAD 0.0009%). This sequence change replaces aspartic acid, which is acidic and polar, with histidine, which is basic and polar, at codon 917 of the GLDC protein (p.Asp917His).